The following is an entry in ClinVar:

NM_004380.3(CREBBP):c.7040C>T (p.Ala2347Val)

Gene: CREBBP (CREB binding lysine acetyltransferase; minus strand). Cytogenetic location: 16p13.3.
Variant type: single nucleotide variant.
Coding change: c.7040C>T on transcript NM_004380.3 (MANE Select); coding-DNA position 7040, C replaced by T.
Protein change: p.Ala2347Val; replaces alanine 2347 with valine.
Molecular consequence: missense variant.
Genome position (GRCh38, 1-based): chr16:3,728,007, G>A on the plus strand (C>T on the coding strand, the complement: CREBBP is on the minus strand). VCF-style: chr16-3728007-G-A. GRCh37 (hg19) VCF-style: chr16-3778008-G-A.
Other names: c.6926C>T, p.Ala2309Val (NM_001079846.1); short protein forms A2347V, A2309V.
Identifiers: ClinVar variation 158399 (VCV000158399.11), dbSNP rs182347573, ClinGen allele CA171806.

ClinVar aggregate classification (germline): Conflicting classifications of pathogenicity. Review status: criteria provided, conflicting classifications (1 of 4 stars). 5 submissions from 5 submitters: Uncertain significance (3); Likely benign (2). Last evaluated 2024-09-30.

Conditions:
Rubinstein-Taybi syndrome (RSTS). Identifiers: Orphanet 783, MedGen C0035934, MONDO:0019188.
Rubinstein-Taybi syndrome due to CREBBP mutations (RSTS1). Also called: RUBINSTEIN-TAYBI SYNDROME 1, INCOMPLETE; BROAD THUMB-HALLUX SYNDROME; Rubinstein-Taybi syndrome 1; RUBINSTEIN SYNDROME; CREBBP-Related Rubinstein-Taybi Syndrome; BROAD THUMBS AND GREAT TOES, CHARACTERISTIC FACIES, AND IMPAIRED INTELLECTUAL DEVELOPMENT. Identifiers: Orphanet 353277, Orphanet 783, MedGen C4551859, MONDO:0008393, OMIM 180849.
Menke-Hennekam syndrome 1 (MKHK1). Identifiers: MedGen C5193034, MONDO:0020763, OMIM 618332.
Inborn genetic diseases. Identifiers: MedGen C0950123, MeSH D030342.
Hearing impairment. Also called: Impaired Hearing. Identifiers: MedGen C1384666, MONDO:0005365, HP:0000365.

Allele frequency attached by ClinVar (database versions not stated): ExAC 0.00002; gnomAD 0.00002 and 0.00003; gnomAD exomes 0.00002 and 0.00006; TOPMed 0.00002; 1000 Genomes Project 30x 0.00016; 1000 Genomes Project 0.00020.
gnomAD v4.1: 97 of 1,610,712 alleles (0.006%); highest among the groups gnomAD compares: Non-Finnish European, 0.0077%; no homozygotes.

Submissions (5):

Ambry Genetics
Classification: Likely benign for Inborn genetic diseases. Last evaluated: 2024-09-30. Review status: criteria provided, single submitter. Criteria: Ambry Variant Classification Scheme 2023. Collection method: clinical testing. Allele origin: germline.

Labcorp Genetics (formerly Invitae), Labcorp
Classification: Uncertain significance for Rubinstein-Taybi syndrome. Last evaluated: 2024-05-15. Review status: criteria provided, single submitter. Criteria: Invitae Variant Classification Sherloc (09022015). Collection method: clinical testing. Allele origin: germline.
Comment: This sequence change replaces alanine, which is neutral and non-polar, with valine, which is neutral and non-polar, at codon 2347 of the CREBBP protein (p.Ala2347Val). This variant is present in population databases (rs182347573, gnomAD 0.008%). This variant has not been reported in the literature in individuals affected with CREBBP-related conditions. ClinVar contains an entry for this variant (Variation ID: 158399). Advanced modeling of protein sequence and biophysical properties (such as structural, functional, and spatial information, amino acid conservation, physicochemical variation, residue mobility, and thermodynamic stability) has been performed at Invitae for this missense variant, however the output from this modeling did not meet the statistical confidence thresholds required to predict the impact of this variant on CREBBP protein function. In summary, the available evidence is currently insufficient to determine the role of this variant in disease. Therefore, it has been classified as a Variant of Uncertain Significance.

Fulgent Genetics
Classification: Uncertain significance for Rubinstein-Taybi syndrome due to CREBBP mutations; Menke-Hennekam syndrome 1. Last evaluated: 2024-01-15. Review status: criteria provided, single submitter. Criteria: ACMG Guidelines, 2015. Collection method: clinical testing. Allele origin: germline.

Cambridge Genomics Laboratory, East Genomic Laboratory Hub, NHS Genomic Medicine Service
Classification: Uncertain significance for Hearing impairment. Last evaluated: 2019-12-03. Review status: criteria provided, single submitter. Criteria: ACGS Best Practice Guidelines for Variant Classification in Rare Disease 2020. Collection method: clinical testing. Allele origin: germline. Affected: yes. Observed: 1 variant allele.

Genetic Services Laboratory, University of Chicago
Classification: Likely benign. Last evaluated: 2013-02-08. Review status: criteria provided, single submitter. Criteria: ACMG Guidelines, 2007. Collection method: clinical testing. Allele origin: germline. Inheritance: Autosomal dominant inheritance.